The following is an entry in ClinVar:

ClinVar aggregate classification (germline): Conflicting classifications of pathogenicity. Review status: criteria provided, conflicting classifications (1 of 4 stars). 3 submissions from 3 submitters: Likely pathogenic (2); Uncertain significance (1). Last evaluated 2025-07-11.

Conditions:
RP1L1-related disorder. Also called: RP1L1-related condition.
Retinitis pigmentosa 88. Identifiers: MedGen C5394208, MONDO:0032940, OMIM 618826.

gnomAD v4.1: 25 of 1,612,500 alleles (0.0016%); highest among the groups gnomAD compares: Non-Finnish European, 0.0019%; no homozygotes.

Submissions (3):

Variantyx, Inc.
Classification: Likely pathogenic for Retinitis pigmentosa 88. Last evaluated: 2025-07-11. Review status: criteria provided, single submitter. Criteria: Variantyx Assertion Criteria 2022. Collection method: clinical testing. Allele origin: germline. Inheritance: Autosomal recessive inheritance.
Comment: This is a nonsense variant in the RP1L1 gene (OMIM: 608581). Pathogenic variants in this gene have been associated with autosomal recessive retinitis pigmentosa 88. This variant introduces a premature termination codon in exon 3 out of 4 and is expected to result in loss of function, which is a known disease mechanism for RP1L1 in this disorder (PMID: 31236346, 23281133) (PVS1). This variant has a 0.0019% maximum allele frequency in non-founder control populations (PM2). Based on the current evidence, this variant is classified as likely pathogenic for autosomal recessive retinitis pigmentosa 88.

Blueprint Genetics
Classification: Likely pathogenic for RP1L1-related disorders. Last evaluated: 2024-07-10. Review status: criteria provided, single submitter. Criteria: ACMG Guidelines, 2015. Collection method: clinical testing. Allele origin: germline. Affected: yes. Observed: 1 variant allele.

Labcorp Genetics (formerly Invitae), Labcorp
Classification: Uncertain significance. Last evaluated: 2024-02-17. Review status: criteria provided, single submitter. Criteria: Invitae Variant Classification Sherloc (09022015). Collection method: clinical testing. Allele origin: germline.
Comment: This sequence change creates a premature translational stop signal (p.Gln208*) in the RP1L1 gene. It is expected to result in an absent or disrupted protein product. However, the current clinical and genetic evidence is not sufficient to establish whether loss-of-function variants in RP1L1 cause disease. This variant is present in population databases (no rsID available, gnomAD 0.004%). This variant has not been reported in the literature in individuals affected with RP1L1-related conditions. ClinVar contains an entry for this variant (Variation ID: 1472530). In summary, the available evidence is currently insufficient to determine the role of this variant in disease. Therefore, it has been classified as a Variant of Uncertain Significance.

Literature cited by the submitters: PubMed 31236346 (cited by Variantyx, Inc.); PubMed 23281133 (cited by Variantyx, Inc.).

NM_178857.6(RP1L1):c.622C>T (p.Gln208Ter)

Gene: RP1L1 (RP1 like 1). Cytogenetic location: 8p23.1.
Variant type: single nucleotide variant.
Coding change: c.622C>T on transcript NM_178857.6 (MANE Select); coding-DNA position 622, C replaced by T.
Protein change: p.Gln208Ter; replaces glutamine 208 with a stop codon.
Molecular consequence: nonsense.
Genome position (GRCh38, 1-based): chr8:10,616,575, G>A on the plus strand (C>T on the coding strand, the complement: RP1L1 is on the minus strand). VCF-style: chr8-10616575-G-A. GRCh37 (hg19) VCF-style: chr8-10474085-G-A.
Other names: short protein forms Q208*.
Identifiers: ClinVar variation 1472530 (VCV001472530.7), dbSNP rs201753844, ClinGen allele CA370299280.